The following is an entry in ClinVar:

NM_001042492.3(NF1):c.4462A>G (p.Thr1488Ala)

Gene: NF1 (neurofibromin 1; plus strand). Cytogenetic location: 17q11.2.
Variant type: single nucleotide variant.
Coding change: c.4462A>G on transcript NM_001042492.3 (MANE Select); coding-DNA position 4462, A replaced by G.
Protein change: p.Thr1488Ala; replaces threonine 1488 with alanine.
Molecular consequence: missense variant.
Genome position (GRCh38, 1-based): chr17:31,260,400, A>G. VCF-style: chr17-31260400-A-G. GRCh37 (hg19) VCF-style: chr17-29587418-A-G.
Other names: c.4399A>G, p.Thr1467Ala (NM_000267.4); short protein forms T1467A, T1488A.
Identifiers: ClinVar variation 233057 (VCV000233057.22), dbSNP rs876660162, ClinGen allele CA10580318.

ClinVar aggregate classification (germline): Conflicting classifications of pathogenicity. Review status: criteria provided, conflicting classifications (1 of 4 stars). 7 submissions from 6 submitters: Uncertain significance (5); Benign (1); Likely benign (1). Last evaluated 2025-10-21.

Conditions:
Cardiovascular phenotype. Identifiers: MedGen CN230736.
Hereditary cancer-predisposing syndrome. Also called: Hereditary Cancer Syndrome; Neoplastic Syndromes, Hereditary; Tumor predisposition; Hereditary neoplastic syndrome. Identifiers: Orphanet 140162, MedGen C0027672, MeSH D009386, MONDO:0015356.
Neurofibromatosis, type 1 (NF1). Also called: Neurofibromatosis, type I; VON RECKLINGHAUSEN DISEASE; NEUROFIBROMATOSIS, TYPE I, SOMATIC; Peripheral type neurofibromatosis. Identifiers: Orphanet 636, MedGen C0027831, MONDO:0018975, OMIM 162200. Disease mechanism: loss of function.
Café-au-lait macules with pulmonary stenosis (WTSN). Also called: PULMONIC STENOSIS WITH CAFE-AU-LAIT SPOTS. Identifiers: MedGen C0553586, MONDO:0008672, OMIM 193520.
Juvenile myelomonocytic leukemia (JMML). Also called: LEUKEMIA, JUVENILE MYELOMONOCYTIC, SOMATIC. Identifiers: Orphanet 86834, MedGen C0349639, MONDO:0011908, OMIM 607785, HP:0012209.
Neurofibromatosis-Noonan syndrome (NFNS). Also called: NEUROFIBROMATOSIS WITH NOONAN PHENOTYPE. Identifiers: Orphanet 638, MedGen C2931482, MONDO:0011035, OMIM 601321. Disease mechanism: loss of function.
Neurofibromatosis, familial spinal (FSNF). Identifiers: Orphanet 636, MedGen C1834235, MONDO:0008078, OMIM 162210. Disease mechanism: loss of function.

Allele frequency attached by ClinVar (database versions not stated): gnomAD exomes below 0.00001 and 0.00001; TOPMed below 0.00001.
gnomAD v4.1: 8 of 1,613,992 alleles (0.0005%); highest among the groups gnomAD compares: South Asian, 0.0077%; no homozygotes.

Submissions (7):

Quest Diagnostics Nichols Institute San Juan Capistrano
Classification: Uncertain significance. Last evaluated: 2025-10-21. Review status: criteria provided, single submitter. Criteria: Quest Diagnostics criteria. Collection method: clinical testing. Allele origin: unknown.

Labcorp Genetics (formerly Invitae), Labcorp
Classification: Benign for Neurofibromatosis, type 1. Last evaluated: 2025-07-16. Review status: criteria provided, single submitter. Criteria: Invitae Variant Classification Sherloc (09022015). Collection method: clinical testing. Allele origin: germline.

GeneDx
Classification: Uncertain significance. Last evaluated: 2025-06-10. Review status: criteria provided, single submitter. Criteria: GeneDx Variant Classification Process June 2021. Collection method: clinical testing. Allele origin: germline. Affected: yes.
Comment: In silico analysis supports that this missense variant has a deleterious effect on protein structure/function; Has not been previously published as pathogenic or benign to our knowledge; This variant is associated with the following publications: (PMID: 22807134)

Fulgent Genetics
Classification: Uncertain significance for Neurofibromatosis, type 1; Neurofibromatosis, familial spinal; Café-au-lait macules with pulmonary stenosis; Neurofibromatosis-Noonan syndrome; Juvenile myelomonocytic leukemia. Last evaluated: 2024-04-12. Review status: criteria provided, single submitter. Criteria: ACMG Guidelines, 2015. Collection method: clinical testing. Allele origin: germline.

Ambry Genetics
Classification: Likely benign for Cardiovascular phenotype; Hereditary cancer-predisposing syndrome. Last evaluated: 2024-01-18. Review status: criteria provided, single submitter. Criteria: Ambry Variant Classification Scheme 2023. Collection method: clinical testing. Allele origin: germline.

Genome-Nilou Lab
Classification: Uncertain significance for Neurofibromatosis, type 1. Last evaluated: 2022-03-15. Review status: criteria provided, single submitter. Criteria: ACMG Guidelines, 2015. Collection method: clinical testing. Allele origin: germline. Affected: no.

Ambry Genetics
Classification: Uncertain significance for Hereditary cancer-predisposing syndrome. Last evaluated: 2015-07-16. Review status: criteria provided, single submitter. Criteria: Ambry Autosomal Dominant and X-Linked criteria (10/2015). Collection method: clinical testing. Allele origin: germline. Observed: 1 variant allele.
Comment: The p.T1488A variant (also known as c.4462A>G), located in coding exon 34 of the NF1 gene, results from an A to G substitution at nucleotide position 4462. The threonine at codon 1488 is replaced by alanine, an amino acid with similar properties. This variant was not reported in population based cohorts in the following databases: Database of Single Nucleotide Polymorphisms (dbSNP), NHLBI Exome Sequencing Project (ESP), and 1000 Genomes Project. In the ESP, this variant was not observed in 6503 samples (13006 alleles) with coverage at this position. To date, this alteration has been detected with an allele frequency of approximately 0.002% (greater than 55000alleles tested) in our clinical cohort.This amino acid position is not well conserved in available vertebrate species. In addition, this alteration is predicted to be tolerated by in silico analysis.Since supporting evidence is limited at this time, the clinical significance of p.T1488Aremains unclear.